The following is an entry in ClinVar:

ClinVar aggregate classification (germline): Uncertain significance (1 of 4 stars; one submission).

Conditions:
Legius syndrome. Identifiers: Orphanet 137605, MedGen C1969623, MONDO:0012669, OMIM 611431. Disease mechanism: loss of function.

Allele frequency attached by ClinVar (database versions not stated): gnomAD exomes below 0.00001; ExAC 0.00001.
gnomAD v4.1: 2 of 1,613,894 alleles (0.00012%); highest among the groups gnomAD compares: Non-Finnish European, 0.00017%; no homozygotes.

Submission:

Labcorp Genetics (formerly Invitae), Labcorp
Classification: Uncertain significance for Legius syndrome. Last evaluated: 2022-02-10. Review status: criteria provided, single submitter. Criteria: Invitae Variant Classification Sherloc (09022015). Collection method: clinical testing. Allele origin: germline.
Comment: This sequence change replaces histidine, which is basic and polar, with glutamine, which is neutral and polar, at codon 90 of the SPRED1 protein (p.His90Gln). In summary, the available evidence is currently insufficient to determine the role of this variant in disease. Therefore, it has been classified as a Variant of Uncertain Significance. Algorithms developed to predict the effect of sequence changes on RNA splicing suggest that this variant may create or strengthen a splice site. Algorithms developed to predict the effect of missense changes on protein structure and function are either unavailable or do not agree on the potential impact of this missense change (SIFT: "Deleterious"; PolyPhen-2: "Probably Damaging"; Align-GVGD: "Class C0"). This missense change has been observed in individual(s) with clinical features of SPRED1-related conditions (PMID: 21520333). This variant is present in population databases (rs773943895, gnomAD 0.0009%).

Literature cited by the submitters: PubMed 21520333.

NM_152594.3(SPRED1):c.270C>G (p.His90Gln)

Gene: SPRED1 (sprouty related EVH1 domain containing 1; plus strand). Cytogenetic location: 15q14.
Variant type: single nucleotide variant.
Coding change: c.270C>G on transcript NM_152594.3 (MANE Select); coding-DNA position 270, C replaced by G.
Protein change: p.His90Gln; replaces histidine 90 with glutamine.
Molecular consequence: missense variant.
Genome position (GRCh38, 1-based): chr15:38,322,303, C>G. VCF-style: chr15-38322303-C-G. GRCh37 (hg19) VCF-style: chr15-38614504-C-G.
Other names: short protein forms H90Q.
Identifiers: ClinVar variation 1500700 (VCV001500700.8), dbSNP rs773943895, ClinGen allele CA7470029.